The following is an entry in ClinVar:

NM_006904.7(PRKDC):c.6708A>C (p.Glu2236Asp)

Gene: PRKDC (protein kinase, DNA-activated, catalytic subunit; minus strand). Cytogenetic location: 8q11.21.
Variant type: single nucleotide variant.
Coding change: c.6708A>C on transcript NM_006904.7 (MANE Select); coding-DNA position 6708, A replaced by C.
Protein change: p.Glu2236Asp; replaces glutamic acid 2236 with aspartic acid.
Molecular consequence: missense variant.
Genome position (GRCh38, 1-based): chr8:47,855,275, T>G on the plus strand (A>C on the coding strand, the complement: PRKDC is on the minus strand). VCF-style: chr8-47855275-T-G. GRCh37 (hg19) VCF-style: chr8-48767836-T-G.
Other names: c.6708A>C, p.Glu2236Asp (NM_001081640.2); short protein forms E2236D.
Identifiers: ClinVar variation 3225894 (VCV003225894.1), dbSNP rs2551869475, ClinGen allele CA371159369.

ClinVar aggregate classification (germline): Uncertain significance (1 of 4 stars; one submission).

Submission:

Ambry Genetics
Classification: Uncertain significance. Last evaluated: 2023-10-01. Review status: criteria provided, single submitter. Criteria: Ambry Variant Classification Scheme 2023. Collection method: clinical testing. Allele origin: germline.
Comment: The p.E2236D variant (also known as c.6708A>C), located in coding exon 50 of the PRKDC gene, results from an A to C substitution at nucleotide position 6708. The glutamic acid at codon 2236 is replaced by aspartic acid, an amino acid with highly similar properties. This amino acid position is conserved. In addition, this alteration is predicted to be tolerated by in silico analysis. Since supporting evidence is limited at this time, the clinical significance of this alteration remains unclear.